The following is an entry in ClinVar:

ClinVar aggregate classification (germline): Uncertain significance (1 of 4 stars; one submission).

Submission:

Labcorp Genetics (formerly Invitae), Labcorp
Classification: Uncertain significance. Last evaluated: 2024-08-01. Review status: criteria provided, single submitter. Criteria: Invitae Variant Classification Sherloc (09022015). Collection method: clinical testing. Allele origin: germline.
Comment: This sequence change replaces histidine, which is basic and polar, with tyrosine, which is neutral and polar, at codon 1877 of the DSCAML1 protein (p.His1877Tyr). This variant is not present in population databases (gnomAD no frequency). This variant has not been reported in the literature in individuals affected with DSCAML1-related conditions. An algorithm developed to predict the effect of missense changes on protein structure and function (PolyPhen-2) suggests that this variant is likely to be disruptive. In summary, the available evidence is currently insufficient to determine the role of this variant in disease. Therefore, it has been classified as a Variant of Uncertain Significance.

NM_020693.4(DSCAML1):c.5449C>T (p.His1817Tyr)

Gene: DSCAML1 (DS cell adhesion molecule like 1; minus strand). Cytogenetic location: 11q23.3.
Variant type: single nucleotide variant.
Coding change: c.5449C>T on transcript NM_020693.4 (MANE Select); coding-DNA position 5449, C replaced by T.
Protein change: p.His1817Tyr; replaces histidine 1817 with tyrosine.
Molecular consequence: missense variant.
Genome position (GRCh38, 1-based): chr11:117,430,959, G>A on the plus strand (C>T on the coding strand, the complement: DSCAML1 is on the minus strand). VCF-style: chr11-117430959-G-A. GRCh37 (hg19) VCF-style: chr11-117301675-G-A.
Other names: short protein forms H1817Y.
Identifiers: ClinVar variation 3632665 (VCV003632665.2).